The following is an entry in ClinVar:

NM_024529.5(CDC73):c.1377G>T (p.Trp459Cys)

Gene: CDC73 (cell division cycle 73; plus strand). Cytogenetic location: 1q31.2.
Variant type: single nucleotide variant.
Coding change: c.1377G>T on transcript NM_024529.5 (MANE Select); coding-DNA position 1377, G replaced by T.
Protein change: p.Trp459Cys; replaces tryptophan 459 with cysteine.
Molecular consequence: missense variant.
Genome position (GRCh38, 1-based): chr1:193,236,316, G>T. VCF-style: chr1-193236316-G-T. GRCh37 (hg19) VCF-style: chr1-193205446-G-T.
Other names: short protein forms W459C.
Identifiers: ClinVar variation 3829903 (VCV003829903.1).
Genomic context (GRCh38, chr1:193,236,316, plus strand): 5'-GGACCGCGTTGTAGCCGTTTTTGTGCAGGGTCCTGCATGGCAGTTCAAAGGTTGGCCATG[G>T]CTTTTGCCTGATGGATCACCAGTTGATATATTTGCTAAAAGTAAGATTCTCTTTGTATTT-3'
Protein context (NP_078805.3, residues 449-469): GPAWQFKGWP[Trp459Cys]LLPDGSPVDI

ClinVar aggregate classification (germline): Uncertain significance (1 of 4 stars; one submission).

Conditions:
Hereditary cancer-predisposing syndrome. Also called: Hereditary neoplastic syndrome; Neoplastic Syndromes, Hereditary; Tumor predisposition; Hereditary Cancer Syndrome. Identifiers: Orphanet 140162, MedGen C0027672, MeSH D009386, MONDO:0015356.

Submission:

Ambry Genetics
Classification: Uncertain significance for Hereditary cancer-predisposing syndrome. Last evaluated: 2025-03-02. Review status: criteria provided, single submitter. Criteria: Ambry Variant Classification Scheme 2023. Collection method: clinical testing. Allele origin: germline.
Comment: The p.W459C variant (also known as c.1377G>T), located in coding exon 15 of the CDC73 gene, results from a G to T substitution at nucleotide position 1377. The tryptophan at codon 459 is replaced by cysteine, an amino acid with highly dissimilar properties. This amino acid position is conserved. In addition, this alteration is predicted to be deleterious by in silico analysis. Based on the available evidence, the clinical significance of this variant remains unclear.